The following is an entry in ClinVar:

ClinVar aggregate classification (germline): Uncertain significance (1 of 4 stars; one submission).

Submission:

Labcorp Genetics (formerly Invitae), Labcorp
Classification: Uncertain significance. Last evaluated: 2022-04-01. Review status: criteria provided, single submitter. Criteria: Invitae Variant Classification Sherloc (09022015). Collection method: clinical testing. Allele origin: germline.
Comment: Algorithms developed to predict the effect of missense changes on protein structure and function are either unavailable or do not agree on the potential impact of this missense change (SIFT: "Deleterious"; PolyPhen-2: "Possibly Damaging"; Align-GVGD: "Class C0"). This variant has not been reported in the literature in individuals affected with ADGRV1-related conditions. This variant is not present in population databases (gnomAD no frequency). This sequence change replaces asparagine, which is neutral and polar, with aspartic acid, which is acidic and polar, at codon 2549 of the ADGRV1 protein (p.Asn2549Asp). In summary, the available evidence is currently insufficient to determine the role of this variant in disease. Therefore, it has been classified as a Variant of Uncertain Significance.

NM_032119.4(ADGRV1):c.7645A>G (p.Asn2549Asp)

Gene: ADGRV1 (adhesion G protein-coupled receptor V1; plus strand). Cytogenetic location: 5q14.3.
Variant type: single nucleotide variant.
Coding change: c.7645A>G on transcript NM_032119.4 (MANE Select); coding-DNA position 7645, A replaced by G.
Protein change: p.Asn2549Asp; replaces asparagine 2549 with aspartic acid.
Molecular consequence: missense variant. On other transcripts: non-coding transcript variant (1).
Genome position (GRCh38, 1-based): chr5:90,694,401, A>G. VCF-style: chr5-90694401-A-G. GRCh37 (hg19) VCF-style: chr5-89990218-A-G.
Other names: short protein forms N2549D.
Identifiers: ClinVar variation 2120434 (VCV002120434.4), dbSNP rs911743263, ClinGen allele CA122797376.